The following is an entry in ClinVar:

ClinVar aggregate classification (germline): Likely pathogenic. Review status: criteria provided, multiple submitters, no conflicts (2 of 4 stars). 2 submissions from 2 submitters: Likely pathogenic (2). Last evaluated 2023-08-01.

Conditions:
PNPLA6-related disorder. Also called: PNPLA6-related condition; PNPLA6-related disorders.
Hereditary spastic paraplegia 39 (SPG39). Also called: SPASTIC PARAPLEGIA 39, AUTOSOMAL RECESSIVE; Spastic Paraplegia Type 39 (SPG39). Identifiers: Orphanet 139480, MedGen C2677586, MONDO:0012787, OMIM 612020.

Allele frequency attached by ClinVar (database versions not stated): gnomAD exomes below 0.00001; TOPMed below 0.00001; ExAC 0.00001; gnomAD 0.00001.

Submissions (2):

Labcorp Genetics (formerly Invitae), Labcorp
Classification: Likely pathogenic for Hereditary spastic paraplegia 39. Last evaluated: 2023-08-01. Review status: criteria provided, single submitter. Criteria: Invitae Variant Classification Sherloc (09022015). Collection method: clinical testing. Allele origin: germline.
Comment: This variant has not been reported in the literature in individuals affected with PNPLA6-related conditions. Algorithms developed to predict the effect of sequence changes on RNA splicing suggest that this variant may disrupt the consensus splice site. In summary, the currently available evidence indicates that the variant is pathogenic, but additional data are needed to prove that conclusively. Therefore, this variant has been classified as Likely Pathogenic. This sequence change affects a donor splice site in intron 5 of the PNPLA6 gene. It is expected to disrupt RNA splicing. Variants that disrupt the donor or acceptor splice site typically lead to a loss of protein function (PMID: 16199547), and loss-of-function variants in PNPLA6 are known to be pathogenic (PMID: 24355708). This variant is present in population databases (rs751417408, gnomAD 0.002%).

Blueprint Genetics
Classification: Likely pathogenic for PNPLA6-related disorders. Last evaluated: 2020-12-01. Review status: criteria provided, single submitter. Criteria: ACMG Guidelines, 2015. Collection method: clinical testing. Allele origin: germline. Affected: yes. Observed: 1 variant allele.

Literature cited by the submitters: PubMed 16199547 (cited by Labcorp Genetics (formerly Invitae), Labcorp); PubMed 24355708 (cited by Labcorp Genetics (formerly Invitae), Labcorp).

NM_001166114.2(PNPLA6):c.315+1G>T

Gene: PNPLA6 (patatin like domain 6, lysophospholipase; plus strand). Cytogenetic location: 19p13.2.
Variant type: single nucleotide variant.
Coding change: c.315+1G>T on transcript NM_001166114.2 (MANE Select); the canonical splice donor site of the intron after coding-DNA position 315, G replaced by T.
Molecular consequence: splice donor variant.
Genome position (GRCh38, 1-based): chr19:7,536,274, G>T. VCF-style: chr19-7536274-G-T. GRCh37 (hg19) VCF-style: chr19-7601160-G-T.
Other names: c.198+1G>T (NM_006702.5, NM_001166112.2, NM_001166113.1); c.342+1G>T (NM_001166111.2).
Identifiers: ClinVar variation 2714396 (VCV002714396.4), dbSNP rs751417408, ClinGen allele CA9139405.
Genomic context (GRCh38, chr19:7,536,274, plus strand): 5'-CGGTATCGGTTCCGGAAGAGGGACAAAGTGCTCTTCTATGGCCGGAAGATTATGCGGAAG[G>T]TGAGTCCGGGACCCCTGGGGTCCGCCCTGACCACACAGAGGCCGCGCCCCTTCCCTATTT-3'